The following is an entry in ClinVar:

ClinVar aggregate classification (germline): Uncertain significance (1 of 4 stars; one submission).

Conditions:
Neurodevelopmental disorder. Identifiers: MedGen C1535926, MeSH D065886, MONDO:0700092.

gnomAD v4.1: 1 of 1,614,014 alleles (0.000062%); highest among the groups gnomAD compares: Non-Finnish European, 0.000085%; no homozygotes.

Submission:

Victorian Clinical Genetics Services, Murdoch Childrens Research Institute
Classification: Uncertain significance for Neurodevelopmental disorder. Last evaluated: 2025-04-07. Review status: criteria provided, single submitter. Criteria: ACMG Guidelines, 2015. Collection method: clinical testing. Allele origin: germline. Affected: yes.
Comment: This variant is classified as VUS-3A. Evidence in support of pathogenic classification: Variant is present in gnomAD <0.001 for a dominant condition (v4: 1 heterozygote(s), 0 homozygote(s)); Additional information: Variant is predicted to result in a missense amino acid change from arginine to glutamine; This variant is heterozygous; This gene is associated with autosomal dominant disease; Alternative amino acid change(s) at the same position are present in gnomAD (Highest allele count: v4: 2 heterozygote(s), 0 homozygote(s)); This variant has no previous evidence of pathogenicity; No published segregation evidence has been identified for this variant; No published functional evidence has been identified for this variant; No comparable missense variants have previous evidence for pathogenicity; Variant is not located in an established domain, motif, hotspot or informative constraint region; Missense variant with inconclusive in silico prediction and uninformative conservation; Loss of function is a likely mechanism of disease in this gene and is associated with neurodevelopmental disorder (MONDO:0700092), RALGAPB-related (PMID: 32853829)

Literature cited by the submitters: PubMed 32853829.

NM_020336.4(RALGAPB):c.2459G>A (p.Arg820Gln)

Gene: RALGAPB (Ral GTPase activating protein non-catalytic subunit beta; plus strand). Cytogenetic location: 20q11.23.
Variant type: single nucleotide variant.
Coding change: c.2459G>A on transcript NM_020336.4 (MANE Select); coding-DNA position 2459, G replaced by A.
Protein change: p.Arg820Gln; replaces arginine 820 with glutamine.
Molecular consequence: missense variant.
Genome position (GRCh38, 1-based): chr20:38,539,855, G>A. VCF-style: chr20-38539855-G-A. GRCh37 (hg19) VCF-style: chr20-37168498-G-A.
Other names: c.2459G>A, p.Arg820Gln (NM_001282917.2); c.2447G>A, p.Arg816Gln (NM_001282918.2); short protein forms R816Q, R820Q.
Identifiers: ClinVar variation 4531752 (VCV004531752.1).
Genomic context (GRCh38, chr20:38,539,855, plus strand): 5'-CAGGAGACCGGAAGCGAGCCATCAGTTCTGTGTGCACCTACATTGTTTATCAGTGTAGTC[G>A]GCCAGCTCCTTTACACTCCAGGGATCTGCACTCCATGATAGTGGCAGCTTTTCAGTGTCT-3'
Protein context (NP_065069.1, residues 810-830): VCTYIVYQCS[Arg820Gln]PAPLHSRDLH